The following is an entry in ClinVar:

ClinVar aggregate classification (germline): other (0 of 4 stars; one submission).

Conditions:
Familial colorectal cancer. Identifiers: MedGen CN280943, MONDO:0023113. Disease mechanism: loss of function.

Submission:

Systems Biology Platform Zhejiang California International NanoSystems Institute
Classification: other for Familial colorectal cancer. Review status: no assertion criteria provided. Collection method: not provided. Allele origin: unknown.
ClinVar note: Converted during submission from cancer to other.

NM_001127511.3(APC):c.165+25849G>C

Gene: APC (APC regulator of Wnt signaling pathway; plus strand). Cytogenetic location: 5q22.2.
Variant type: single nucleotide variant.
Coding change: c.165+25849G>C on transcript NM_001127511.3; 25849 bases into the intron after coding-DNA position 165, G replaced by C.
Molecular consequence: intron variant.
Genome position (GRCh38, 1-based): chr5:112,733,731, G>C. VCF-style: chr5-112733731-G-C. GRCh37 (hg19) VCF-style: chr5-112069428-G-C.
Other names: c.-1053-21142G>C (NM_001407470.1, NM_001407472.1); c.-18-21142G>C (NM_001407447.1, NM_001354895.2, NM_001407456.1 and 7 more transcripts); c.165+25849G>C (NM_001407446.1, NM_001354897.2, NM_001354902.2); c.-43+26082G>C (NM_001407453.1).
Identifiers: ClinVar variation 82721 (VCV000082721.4), dbSNP rs77941109, ClinGen allele CA023578.